The following is an entry in ClinVar:

NM_000179.3(MSH6):c.320C>T (p.Pro107Leu)

Gene: MSH6 (mutS homolog 6; plus strand). Cytogenetic location: 2p16.3.
Variant type: single nucleotide variant.
Coding change: c.320C>T on transcript NM_000179.3 (MANE Select); coding-DNA position 320, C replaced by T.
Protein change: p.Pro107Leu; replaces proline 107 with leucine.
Molecular consequence: missense variant. On other transcripts: 5 prime UTR variant (2), intron variant (1).
Genome position (GRCh38, 1-based): chr2:47,790,986, C>T. VCF-style: chr2-47790986-C-T. GRCh37 (hg19) VCF-style: chr2-48018125-C-T.
Other names: c.-417C>T (NM_001281493.2); c.-583C>T (NM_001281494.2); c.237+7516C>T (NM_001281492.2); short protein forms P107L.
Identifiers: ClinVar variation 237183 (VCV000237183.17), dbSNP rs878853732, ClinGen allele CA10582037.

ClinVar aggregate classification (germline): Uncertain significance. Review status: criteria provided, multiple submitters, no conflicts (2 of 4 stars). 4 submissions from 4 submitters: Uncertain significance (4). Last evaluated 2026-09-01.

Conditions:
Hereditary nonpolyposis colorectal neoplasms. Identifiers: MedGen C0009405, MeSH D003123.
Hereditary cancer-predisposing syndrome. Also called: Tumor predisposition; Neoplastic Syndromes, Hereditary; Hereditary Cancer Syndrome; Hereditary neoplastic syndrome. Identifiers: Orphanet 140162, MedGen C0027672, MeSH D009386, MONDO:0015356.

Submissions (4):

Ambry Genetics
Classification: Uncertain significance for Hereditary cancer-predisposing syndrome. Last evaluated: 2026-09-01. Review status: criteria provided, single submitter. Criteria: Ambry Variant Classification Scheme 2023. Collection method: clinical testing. Allele origin: germline.

Quest Diagnostics Nichols Institute San Juan Capistrano
Classification: Uncertain significance. Last evaluated: 2025-02-21. Review status: criteria provided, single submitter. Criteria: Quest Diagnostics criteria. Collection method: clinical testing. Allele origin: unknown.
Comment: The MSH6 c.320C>T (p.Pro107Leu) variant has not been reported as a germline variant in individuals with MSH6-related conditions in the published literature. It also has not been reported in large, multi-ethnic general populations (Genome Aggregation Database). Analysis of this variant using bioinformatics tools for the prediction of the effect of amino acid changes on protein structure and function yielded predictions that this variant is damaging. Based on the available information, we are unable to determine the clinical significance of this variant.

Labcorp Genetics (formerly Invitae), Labcorp
Classification: Uncertain significance for Hereditary nonpolyposis colorectal neoplasms. Last evaluated: 2021-11-11. Review status: criteria provided, single submitter. Criteria: Invitae Variant Classification Sherloc (09022015). Collection method: clinical testing. Allele origin: germline.
Comment: In summary, the available evidence is currently insufficient to determine the role of this variant in disease. Therefore, it has been classified as a Variant of Uncertain Significance. Advanced modeling of protein sequence and biophysical properties (such as structural, functional, and spatial information, amino acid conservation, physicochemical variation, residue mobility, and thermodynamic stability) performed at Invitae indicates that this missense variant is expected to disrupt MSH6 protein function. This sequence change replaces proline, which is neutral and non-polar, with leucine, which is neutral and non-polar, at codon 107 of the MSH6 protein (p.Pro107Leu). This variant is not present in population databases (gnomAD no frequency). This variant has not been reported in the literature in individuals affected with MSH6-related conditions. ClinVar contains an entry for this variant (Variation ID: 237183).

Women's Health and Genetics/Laboratory Corporation of America, LabCorp
Classification: Uncertain significance. Last evaluated: 2017-02-16. Review status: criteria provided, single submitter. Criteria: LabCorp Variant Classification Summary - May 2015. Collection method: clinical testing. Allele origin: germline.
Comment: Variant summary: The MSH6 c.320C>T (p.Pro107Leu) variant located in the PWWP domain (via InterPro) involves the alteration of a conserved nucleotide, which 4/4 in silico tools (SNPs&GO not captured due to low reliability index) predict a damaging outcome, although these predictions have yet to be functionally assessed. The variant of interest has not been observed in controls (ExAC, 1000 Gs, or ESP), nor has it been, to our knowledge, reported in affected individuals via publications. A clinical diagnostic laboratory reports the variant with a classification of "uncertain significance." Therefore, until additional information becomes available (ie, clinical and functional studies), the variant of interest has been classified as a "Variant of Uncertain Significance."

Literature cited by the submitters: PubMed 27547838 (cited by Quest Diagnostics Nichols Institute San Juan Capistrano).